The following is an entry in ClinVar:

NM_025114.4(CEP290):c.6941A>G (p.Asn2314Ser)

Gene: CEP290 (centrosomal protein 290; minus strand). Cytogenetic location: 12q21.32.
Variant type: single nucleotide variant.
Coding change: c.6941A>G on transcript NM_025114.4 (MANE Select); coding-DNA position 6941, A replaced by G.
Protein change: p.Asn2314Ser; replaces asparagine 2314 with serine.
Molecular consequence: missense variant.
Genome position (GRCh38, 1-based): chr12:88,055,595, T>C on the plus strand (A>G on the coding strand, the complement: CEP290 is on the minus strand). VCF-style: chr12-88055595-T-C. GRCh37 (hg19) VCF-style: chr12-88449372-T-C.
Other names: short protein forms N2314S.
Identifiers: ClinVar variation 967666 (VCV000967666.13), dbSNP rs148173636, ClinGen allele CA6711404.

ClinVar aggregate classification (germline): Uncertain significance. Review status: criteria provided, multiple submitters, no conflicts (2 of 4 stars). 6 submissions from 6 submitters: Uncertain significance (5). 1 of the submissions does not count toward it. Last evaluated 2024-11-21.

Conditions:
Bardet-Biedl syndrome 14 (BBS14). Identifiers: Orphanet 110, MedGen C2673874, MONDO:0014442, OMIM 615991.
Joubert syndrome 5 (JBTS5). Identifiers: Orphanet 2318, MedGen C1857780, MONDO:0012432, OMIM 610188.
Senior-Loken syndrome 6 (SLSN6). Identifiers: Orphanet 3156, MedGen C1857779, MONDO:0012433, OMIM 610189.
Meckel syndrome, type 4 (MKS4). Also called: MECKEL-GRUBER SYNDROME, TYPE 4. Identifiers: Orphanet 564, MedGen C1970161, MONDO:0012626, OMIM 611134.
Leber congenital amaurosis 10 (LCA10). Identifiers: Orphanet 65, MedGen C1857821, MONDO:0012723, OMIM 611755.
CEP290-related disorder. Also called: CEP290-related condition; CEP290-related disorders. Identifiers: MedGen CN239314.
Nephronophthisis. Also called: Juvenile Nephronophthisis. Identifiers: Orphanet 655, MedGen C0687120, MONDO:0019005, HP:0000090.
Meckel-Gruber syndrome. Also called: GRUBER SYNDROME; Dysencephalia splachnocystica; DYSENCEPHALIA SPLANCHNOCYSTICA. Identifiers: Orphanet 564, MedGen C0265215, MONDO:0018921.
Joubert syndrome. Also called: Familial aplasia of the vermis; JOUBERT-BOLTSHAUSER SYNDROME. Identifiers: Orphanet 475, MedGen C5979921, MONDO:0018772.
Leber congenital amaurosis (LCA). Also called: Leber's amaurosis. Identifiers: Orphanet 65, MedGen C0339527, MeSH D057130, MONDO:0018998.
Retinal dystrophy. Also called: Inherited retinal dystrophy. Identifiers: Orphanet 71862, MedGen C0854723, MeSH D058499, MONDO:0019118, HP:0000556.

Allele frequency attached by ClinVar (database versions not stated): gnomAD 0.00001 and 0.00002; gnomAD exomes 0.00001 and 0.00002; TOPMed 0.00005; ExAC 0.00007; 1000 Genomes Project 30x 0.00016; 1000 Genomes Project 0.00020.
gnomAD v4.1: 14 of 1,580,368 alleles (0.00089%); highest among the groups gnomAD compares: East Asian, 0.009%; no homozygotes.

Submissions (6):

PreventionGenetics, part of Exact Sciences
Classification: Uncertain significance for CEP290-related condition. Last evaluated: 2024-11-21. Review status: criteria provided, single submitter. Criteria: ACMG Guidelines, 2015. Collection method: clinical testing. Allele origin: germline.
Comment: The CEP290 c.6941A>G variant is predicted to result in the amino acid substitution p.Asn2314Ser. To our knowledge, this variant has not been reported in the literature. This variant is reported in 0.020% of alleles in individuals of East Asian descent in gnomAD. At this time, the clinical significance of this variant is uncertain due to the absence of conclusive functional and genetic evidence.

Fulgent Genetics
Classification: Uncertain significance for Joubert syndrome 5; Senior-Loken syndrome 6; Meckel syndrome, type 4; Leber congenital amaurosis 10; Bardet-Biedl syndrome 14. Last evaluated: 2024-03-05. Review status: criteria provided, single submitter. Criteria: ACMG Guidelines, 2015. Collection method: clinical testing. Allele origin: germline.

Dept Of Ophthalmology, Nagoya University
Classification: Uncertain significance for Retinal dystrophy. Last evaluated: 2023-10-01. Review status: criteria provided, single submitter. Criteria: Submitter's publication. Collection method: research. Allele origin: germline. Affected: yes.

Labcorp Genetics (formerly Invitae), Labcorp
Classification: Uncertain significance for Joubert syndrome; Meckel-Gruber syndrome; Nephronophthisis. Last evaluated: 2022-08-16. Review status: criteria provided, single submitter. Criteria: Invitae Variant Classification Sherloc (09022015). Collection method: clinical testing. Allele origin: germline.
Comment: This sequence change replaces asparagine, which is neutral and polar, with serine, which is neutral and polar, at codon 2314 of the CEP290 protein (p.Asn2314Ser). This variant is present in population databases (rs148173636, gnomAD 0.02%). This variant has not been reported in the literature in individuals affected with CEP290-related conditions. ClinVar contains an entry for this variant (Variation ID: 967666). Algorithms developed to predict the effect of missense changes on protein structure and function (SIFT, PolyPhen-2, Align-GVGD) all suggest that this variant is likely to be tolerated. In summary, the available evidence is currently insufficient to determine the role of this variant in disease. Therefore, it has been classified as a Variant of Uncertain Significance.

GeneDx
Classification: Uncertain significance. Last evaluated: 2022-03-15. Review status: criteria provided, single submitter. Criteria: GeneDx Variant Classification Process June 2021. Collection method: clinical testing. Allele origin: germline. Affected: yes.
Comment: In silico analysis supports that this missense variant does not alter protein structure/function; Has not been previously published as pathogenic or benign to our knowledge

Natera, Inc.
Classification: Uncertain significance for Leber congenital amaurosis. Last evaluated: 2020-03-15. Review status: no assertion criteria provided. Collection method: clinical testing. Allele origin: germline. Not counted in ClinVar's aggregate classification.